The following is an entry in ClinVar:

ClinVar aggregate classification (germline): Likely pathogenic (1 of 4 stars; one submission).

Conditions:
GNE myopathy (NM). Also called: MYOPATHY, DISTAL, WITH OR WITHOUT RIMMED VACUOLES; IBM 2; Inclusion body myopathy autosomal recessive; Inclusion body myopathy quadriceps sparing; NONAKA DISTAL MYOPATHY; INCLUSION BODY MYOPATHY, HEREDITARY, AUTOSOMAL RECESSIVE. Identifiers: Orphanet 602, MedGen C1853926, MONDO:0011603, OMIM 605820.

Submission:

Natera, Inc.
Classification: Likely pathogenic for Nonaka myopathy. Last evaluated: 2024-06-25. Review status: criteria provided, single submitter. Criteria: Natera Variant Classification Schema (03/2026). Collection method: clinical testing. Allele origin: germline.
Comment: The c.330_331delinsC variant in GNE is a frameshift variant predicted to shift the reading frame beginning at codon 110 and leads to a stop codon 10 codons downstream. This variant is expected to result in nonsense mediated decay, truncation, or a dysfunctional protein product. This variant is rare in the general population with a frequency below the threshold expected for the associated phenotype(s). Given the available evidence, this variant is classified as Likely Pathogenic.

NM_005476.7(GNE):c.237_238delinsC (p.Glu79fs)

Gene: GNE (glucosamine (UDP-N-acetyl)-2-epimerase/N-acetylmannosamine kinase; minus strand). Cytogenetic location: 9p13.3.
Variant type: Indel.
Coding change: c.237_238delinsC on transcript NM_005476.7 (MANE Select); coding-DNA positions 237 to 238, AG replaced by C.
Protein change: p.Glu79fs; shifts the reading frame from glutamic acid 79.
Molecular consequence: frameshift variant.
Genome position (GRCh38, 1-based): chr9:36,246,409-36,246,410, CT replaced by G on the plus strand (AG replaced by C on the coding strand, the reverse complement: GNE is on the minus strand). VCF-style: chr9-36246409-CT-G. GRCh37 (hg19) VCF-style: chr9-36246406-CT-G.
Other names: c.330_331delinsC, p.Glu110fs (NM_001128227.3); c.237_238delinsC, p.Glu79fs (NM_001190383.3, NM_001374797.1); c.60_61delinsC, p.Glu20fs (NM_001190384.3, NM_001190388.2, NM_001374798.1); short protein forms E110fs, E20fs, E79fs.
Identifiers: ClinVar variation 4814610 (VCV004814610.1).